The following is an entry in ClinVar:

ClinVar aggregate classification (germline): Uncertain significance (1 of 4 stars; one submission).

gnomAD v4.1: 4 of 1,613,634 alleles (0.00025%); highest among the groups gnomAD compares: Non-Finnish European, 0.00034%; no homozygotes.

Submission:

GeneDx
Classification: Uncertain significance. Last evaluated: 2023-12-11. Review status: criteria provided, single submitter. Criteria: GeneDx Variant Classification Process June 2021. Collection method: clinical testing. Allele origin: germline. Affected: yes.
Comment: Has not been previously published as pathogenic or benign to our knowledge; Not observed at significant frequency in large population cohorts (gnomAD); Located in the AAA Domain (PMID: 22571692); In silico analysis supports that this missense variant has a deleterious effect on protein structure/function; This variant is associated with the following publications: (PMID: 22571692, Akhtar2020[paper])

NM_003119.4(SPG7):c.1310T>G (p.Leu437Arg)

Gene: SPG7 (SPG7 matrix AAA peptidase subunit, paraplegin; plus strand). Cytogenetic location: 16q24.3.
Variant type: single nucleotide variant.
Coding change: c.1310T>G on transcript NM_003119.4 (MANE Select); coding-DNA position 1310, T replaced by G.
Protein change: p.Leu437Arg; replaces leucine 437 with arginine.
Molecular consequence: missense variant.
Genome position (GRCh38, 1-based): chr16:89,532,622, T>G. VCF-style: chr16-89532622-T-G. GRCh37 (hg19) VCF-style: chr16-89599030-T-G.
Other names: c.1310T>G, p.Leu437Arg (NM_001363850.1, NM_199367.3); short protein forms L437R.
Identifiers: ClinVar variation 3365360 (VCV003365360.1).